The following is an entry in ClinVar:

ClinVar aggregate classification (germline): Likely benign. Review status: criteria provided, multiple submitters, no conflicts (2 of 4 stars). 3 submissions from 3 submitters: Likely benign (3). Last evaluated 2022-04-19.

Conditions:
Hereditary cancer-predisposing syndrome. Also called: Tumor predisposition; Hereditary neoplastic syndrome; Neoplastic Syndromes, Hereditary; Hereditary Cancer Syndrome. Identifiers: Orphanet 140162, MedGen C0027672, MeSH D009386, MONDO:0015356.
Hereditary breast ovarian cancer syndrome. Also called: Hereditary breast and ovarian cancer syndrome (HBOC); Hereditary breast and ovarian cancer; Hereditary breast and ovarian cancer syndrome; Breast and ovarian cancer; BRCA1- and BRCA2-Associated Hereditary Breast and Ovarian Cancer; Hereditary breast and/or ovarian cancer syndrome. Identifiers: Orphanet 145, MedGen C0677776, MeSH D061325, MONDO:0003582. Disease mechanism: loss of function.

gnomAD v4.1: 13 of 1,613,144 alleles (0.00081%); highest among the groups gnomAD compares: Non-Finnish European, 0.0011%; no homozygotes.

Submissions (3):

Labcorp Genetics (formerly Invitae), Labcorp
Classification: Likely benign for Hereditary breast ovarian cancer syndrome. Last evaluated: 2022-04-19. Review status: criteria provided, single submitter. Criteria: Invitae Variant Classification Sherloc (09022015). Collection method: clinical testing. Allele origin: germline.

Color Diagnostics, LLC DBA Color Health
Classification: Likely benign for Hereditary cancer-predisposing syndrome. Last evaluated: 2019-08-22. Review status: criteria provided, single submitter. Criteria: ACMG Guidelines, 2015. Collection method: clinical testing. Allele origin: germline.

GeneDx
Classification: Likely benign. Last evaluated: 2017-03-23. Review status: criteria provided, single submitter. Criteria: GeneDx Variant Classification (06012015). Collection method: clinical testing. Allele origin: germline. Affected: yes.
Comment: This variant is considered likely benign or benign based on one or more of the following criteria: it is a conservative change, it occurs at a poorly conserved position in the protein, it is predicted to be benign by multiple in silico algorithms, and/or has population frequency not consistent with disease.

NM_000059.4(BRCA2):c.9117+12T>G

Gene: BRCA2 (BRCA2 DNA repair associated; plus strand). Cytogenetic location: 13q13.1.
Variant type: single nucleotide variant.
Coding change: c.9117+12T>G on transcript NM_000059.4 (MANE Select); 12 bases into the intron after coding-DNA position 9117, T replaced by G.
Molecular consequence: intron variant.
Genome position (GRCh38, 1-based): chr13:32,379,925, T>G. VCF-style: chr13-32379925-T-G. GRCh37 (hg19) VCF-style: chr13-32954062-T-G.
Identifiers: ClinVar variation 516795 (VCV000516795.8), dbSNP rs1212956665, ClinGen allele CA658798074.
Genomic context (GRCh38, chr13:32,379,925, plus strand): 5'-TAACATACAGTTAGCAGCGACAAAAAAAACTCAGTATCAACAACTACCGGTACAAACCTT[T>G]CATTGTAATTTTTCAGTTTTGATAAGTGCTTGTTAGTTTATGGAATCTCCATATGTTGAA-3'